The following is an entry in ClinVar:

ClinVar aggregate classification (germline): Conflicting classifications of pathogenicity. Review status: criteria provided, conflicting classifications (1 of 4 stars). 3 submissions from 3 submitters: Uncertain significance (2); Likely benign (1). Last evaluated 2025-01-13.

Conditions:
Inborn genetic diseases. Identifiers: MedGen C0950123, MeSH D030342.

Allele frequency attached by ClinVar (database versions not stated): gnomAD exomes 0.00009; ExAC 0.00012; gnomAD 0.00030 and 0.00035; TOPMed 0.00037; 1000 Genomes Project 0.00040; ESP Exome Variant Server 0.00046; 1000 Genomes Project 30x 0.00047.
gnomAD v4.1: 107 of 1,613,746 alleles (0.0066%); highest among the groups gnomAD compares: African/African-American, 0.13%; 1 homozygote.

Submissions (3):

Labcorp Genetics (formerly Invitae), Labcorp
Classification: Uncertain significance. Last evaluated: 2025-01-13. Review status: criteria provided, single submitter. Criteria: Invitae Variant Classification Sherloc (09022015). Collection method: clinical testing. Allele origin: germline.
Comment: This sequence change replaces serine, which is neutral and polar, with tyrosine, which is neutral and polar, at codon 2835 of the HSPG2 protein (p.Ser2835Tyr). This variant is present in population databases (rs146505513, gnomAD 0.1%). This variant has not been reported in the literature in individuals affected with HSPG2-related conditions. ClinVar contains an entry for this variant (Variation ID: 1223625). An algorithm developed to predict the effect of missense changes on protein structure and function (PolyPhen-2) suggests that this variant is likely to be disruptive. In summary, the available evidence is currently insufficient to determine the role of this variant in disease. Therefore, it has been classified as a Variant of Uncertain Significance.

Ambry Genetics
Classification: Uncertain significance for Inborn genetic diseases. Last evaluated: 2024-12-28. Review status: criteria provided, single submitter. Criteria: Ambry Variant Classification Scheme 2023. Collection method: clinical testing. Allele origin: germline.

GeneDx
Classification: Likely benign. Last evaluated: 2021-05-29. Review status: criteria provided, single submitter. Criteria: GeneDx Variant Classification Process June 2021. Collection method: clinical testing. Allele origin: germline. Affected: yes.

NM_005529.7(HSPG2):c.8504C>A (p.Ser2835Tyr)

Gene: HSPG2 (heparan sulfate proteoglycan 2; minus strand). Cytogenetic location: 1p36.12.
Variant type: single nucleotide variant.
Coding change: c.8504C>A on transcript NM_005529.7 (MANE Select); coding-DNA position 8504, C replaced by A.
Protein change: p.Ser2835Tyr; replaces serine 2835 with tyrosine.
Molecular consequence: missense variant.
Genome position (GRCh38, 1-based): chr1:21,844,260, G>T on the plus strand (C>A on the coding strand, the complement: HSPG2 is on the minus strand). VCF-style: chr1-21844260-G-T. GRCh37 (hg19) VCF-style: chr1-22170753-G-T.
Other names: c.8507C>A, p.Ser2836Tyr (NM_001291860.2); short protein forms S2835Y, S2836Y.
Identifiers: ClinVar variation 1223625 (VCV001223625.8), dbSNP rs146505513, ClinGen allele CA670756.